The following is an entry in ClinVar:

ClinVar aggregate classification (germline): Uncertain significance (1 of 4 stars; one submission).

Allele frequency attached by ClinVar (database versions not stated): gnomAD exomes below 0.00001 and 0.00001; ExAC 0.00001; gnomAD 0.00001; TOPMed 0.00002.
gnomAD v4.1: 19 of 1,613,756 alleles (0.0012%); highest among the groups gnomAD compares: Non-Finnish European, 0.0014%; no homozygotes.

Submission:

Labcorp Genetics (formerly Invitae), Labcorp
Classification: Uncertain significance. Last evaluated: 2024-10-27. Review status: criteria provided, single submitter. Criteria: Invitae Variant Classification Sherloc (09022015). Collection method: clinical testing. Allele origin: germline.
Comment: This sequence change replaces proline, which is neutral and non-polar, with threonine, which is neutral and polar, at codon 528 of the ATR protein (p.Pro528Thr). This variant is present in population databases (rs200033739, gnomAD 0.0009%). This variant has not been reported in the literature in individuals affected with ATR-related conditions. ClinVar contains an entry for this variant (Variation ID: 1357093). An algorithm developed to predict the effect of missense changes on protein structure and function outputs the following: PolyPhen-2: "Benign". The threonine amino acid residue is found in multiple mammalian species, which suggests that this missense change does not adversely affect protein function. In summary, the available evidence is currently insufficient to determine the role of this variant in disease. Therefore, it has been classified as a Variant of Uncertain Significance.

NM_001184.4(ATR):c.1582C>A (p.Pro528Thr)

Gene: ATR (ATR checkpoint kinase; minus strand). Cytogenetic location: 3q23.
Variant type: single nucleotide variant.
Coding change: c.1582C>A on transcript NM_001184.4 (MANE Select); coding-DNA position 1582, C replaced by A.
Protein change: p.Pro528Thr; replaces proline 528 with threonine.
Molecular consequence: missense variant.
Genome position (GRCh38, 1-based): chr3:142,559,401, G>T on the plus strand (C>A on the coding strand, the complement: ATR is on the minus strand). VCF-style: chr3-142559401-G-T. GRCh37 (hg19) VCF-style: chr3-142278243-G-T.
Other names: c.1390C>A, p.Pro464Thr (NM_001354579.2); short protein forms P528T, P464T.
Identifiers: ClinVar variation 1357093 (VCV001357093.8), dbSNP rs200033739, ClinGen allele CA2650554.